The following is an entry in ClinVar:

ClinVar aggregate classification (germline): Pathogenic (1 of 4 stars; one submission).

Conditions:
BRCA2-related cancer predisposition. Identifiers: MedGen CN377758, MONDO:0700269.

Submission:

All of Us Research Program, National Institutes of Health
Classification: Pathogenic for BRCA2-related cancer predisposition. Last evaluated: 2024-09-23. Review status: criteria provided, single submitter. Criteria: ACMG Guidelines, 2015. Collection method: clinical testing. Allele origin: germline. Inheritance: Autosomal dominant inheritance. Observed: 1 variant allele, 1 heterozygote.
Comment: This variant deletes 5 nucleotides in exon 11 of the BRCA2 gene, creating a frameshift and premature translation stop signal. This variant is expected to result in an absent or non-functional protein product. To our knowledge, this variant has been reported in individuals affected with breast cancer (PMID: 33573335). This variant has not been identified in the general population by the Genome Aggregation Database (gnomAD). Loss of BRCA2 function is a known mechanism of disease. Based on the available evidence, this variant is classified as Pathogenic.

This study involves interpretation of variants in research participants for the purpose of population health screening. Participant phenotype was not available at the time of variant classification. Additional details can be found in publication PMID: 35346344, PMCID: PMC8962531

Literature cited by the submitters: PubMed 33573335.

NM_000059.4(BRCA2):c.6509_6513delinsGTC (p.Lys2170fs)

Gene: BRCA2 (BRCA2 DNA repair associated; plus strand). Cytogenetic location: 13q13.1.
Variant type: Indel.
Coding change: c.6509_6513delinsGTC on transcript NM_000059.4 (MANE Select); coding-DNA positions 6509 to 6513, AAGTG replaced by GTC.
Protein change: p.Lys2170fs; shifts the reading frame from lysine 2170.
Molecular consequence: frameshift variant. On other transcripts: intron variant (2), non-coding transcript variant (1).
Genome position (GRCh38, 1-based): chr13:32,340,864-32,340,868, AAGTG replaced by GTC. VCF-style: chr13-32340864-AAGTG-GTC. GRCh37 (hg19) VCF-style: chr13-32915001-AAGTG-GTC.
Other names: c.425-3694_425-3690delinsGTC (NM_001406722.1); c.6509_6513delinsGTC, p.Lys2170fs (NM_001406719.1, NM_001406720.1, NM_001432077.1); c.1910-3694_1910-3690delinsGTC (NM_001406721.1); short protein forms K2170fs.
Identifiers: ClinVar variation 3386253 (VCV003386253.1).